The following is an entry in ClinVar:

ClinVar aggregate classification (germline): Benign. Review status: criteria provided, multiple submitters, no conflicts (2 of 4 stars). 6 submissions from 6 submitters: Benign (6). Last evaluated 2026-02-03.

Conditions:
Emery-Dreifuss muscular dystrophy 5, autosomal dominant (EDMD5). Also called: EMERY-DREIFUSS MUSCULAR DYSTROPHY 5. Identifiers: Orphanet 261, MedGen C2751805, MONDO:0013072, OMIM 612999.

Allele frequency attached by ClinVar (database versions not stated): 1000 Genomes Project 30x 0.65553; 1000 Genomes Project 0.66514; TOPMed 0.69990; gnomAD 0.71158 and 0.71814; ESP Exome Variant Server 0.72288; gnomAD exomes 0.85129.
gnomAD v4.1: 1,351,001 of 1,613,072 alleles (84%); highest among the groups gnomAD compares: Non-Finnish European, 88%; 575,689 homozygotes.

Submissions (6):

Labcorp Genetics (formerly Invitae), Labcorp
Classification: Benign for Emery-Dreifuss muscular dystrophy 5, autosomal dominant. Last evaluated: 2026-02-03. Review status: criteria provided, single submitter. Criteria: Invitae Variant Classification Sherloc (09022015). Collection method: clinical testing. Allele origin: germline.

Genome-Nilou Lab
Classification: Benign for Emery-Dreifuss muscular dystrophy 5, autosomal dominant. Last evaluated: 2021-07-15. Review status: criteria provided, single submitter. Criteria: ACMG Guidelines, 2015. Collection method: clinical testing. Allele origin: germline. Affected: no.

GeneDx
Classification: Benign. Last evaluated: 2018-07-09. Review status: criteria provided, single submitter. Criteria: GeneDx Variant Classification Process June 2021. Collection method: clinical testing. Allele origin: germline. Affected: yes.

Illumina Laboratory Services, Illumina
Classification: Benign for Emery-Dreifuss muscular dystrophy 5, autosomal dominant. Last evaluated: 2018-01-13. Review status: criteria provided, single submitter. Criteria: ICSL Variant Classification Criteria 13 December 2019. Collection method: clinical testing. Allele origin: germline.
Comment: This variant was observed in the ICSL laboratory as part of a predisposition screen in an ostensibly healthy population. It had not been previously curated by ICSL or reported in the Human Gene Mutation Database (HGMD: prior to June 1st, 2018), and was therefore a candidate for classification through an automated scoring system. Utilizing variant allele frequency, disease prevalence and penetrance estimates, and inheritance mode, an automated score was calculated to assess if this variant is too frequent to cause the disease. Based on the score and internal cut-off values, a variant classified as benign is not then subjected to further curation. The score for this variant resulted in a classification of benign for this disease.

Genetic Services Laboratory, University of Chicago
Classification: Benign for AllHighlyPenetrant. Last evaluated: 2013-08-15. Review status: criteria provided, single submitter. Criteria: ACMG Guidelines, 2007. Collection method: clinical testing. Allele origin: germline. Inheritance: Autosomal dominant inheritance.

Breakthrough Genomics
Classification: Benign. Review status: criteria provided, single submitter. Criteria: ACMG Guidelines, 2015. Collection method: not provided. Allele origin: germline. Inheritance: Autosomal dominant inheritance. Affected: yes.

NM_182914.3(SYNE2):c.8824A>G (p.Ile2942Val)

Gene: SYNE2 (spectrin repeat containing nuclear envelope protein 2; plus strand). Cytogenetic location: 14q23.2.
Variant type: single nucleotide variant.
Coding change: c.8824A>G on transcript NM_182914.3 (MANE Select); coding-DNA position 8824, A replaced by G.
Protein change: p.Ile2942Val; replaces isoleucine 2942 with valine.
Molecular consequence: missense variant.
Genome position (GRCh38, 1-based): chr14:64,052,737, A>G. VCF-style: chr14-64052737-A-G. GRCh37 (hg19) VCF-style: chr14-64519455-A-G.
Other names: c.8824A>G, p.Ile2942Val (NM_015180.6); short protein forms I2942V.
Identifiers: ClinVar variation 130516 (VCV000130516.22), dbSNP rs3829767, ClinGen allele CA155616.
Genomic context (GRCh38, chr14:64,052,737, plus strand): 5'-ATTAGGACCAACAGAATACAAAGATTCATTCAGAATACATGTAATGAAGTGGAACACAAG[A>G]TAAAGTTTTGCAGACAATTCCATGAAAAAACATCAGCGCTTCAGGAGGAGGCTGACAGTA-3'
Protein context (NP_878918.2, residues 2932-2952): QNTCNEVEHK[Ile2942Val]KFCRQFHEKT